The following is an entry in ClinVar:

NM_001100913.3(PACS2):c.1528G>T (p.Asp510Tyr)

Gene: PACS2 (phosphofurin acidic cluster sorting protein 2; plus strand). Cytogenetic location: 14q32.33.
Variant type: single nucleotide variant.
Coding change: c.1528G>T on transcript NM_001100913.3 (MANE Select); coding-DNA position 1528, G replaced by T.
Protein change: p.Asp510Tyr; replaces aspartic acid 510 with tyrosine.
Molecular consequence: missense variant.
Genome position (GRCh38, 1-based): chr14:105,382,816, G>T. VCF-style: chr14-105382816-G-T. GRCh37 (hg19) VCF-style: chr14-105849153-G-T.
Other names: c.1291G>T, p.Asp431Tyr (NM_001243127.3); c.1516G>T, p.Asp506Tyr (NM_015197.4); short protein forms D506Y, D510Y, D431Y.
Identifiers: ClinVar variation 3000805 (VCV003000805.3), dbSNP rs782301844, ClinGen allele CA7388859.
Genomic context (GRCh38, chr14:105,382,816, plus strand): 5'-GGGTGGCCTGGGCGGCTGTGCCGAAGTCAGCGTCTGCCTGTCTTCTGCCAGTTCCTCTCC[G>T]ACGTCCTGCAGAGGCACACGCTCCCCGTGGTGTGCACGTGCTCTCCTGCGGACGTCCAGG-3'
Protein context (NP_001094383.2, residues 500-520): TSDWQGQFLS[Asp510Tyr]VLQRHTLPVV

ClinVar aggregate classification (germline): Uncertain significance (1 of 4 stars; one submission).

gnomAD v4.1: 3 of 1,594,990 alleles (0.00019%); highest among the groups gnomAD compares: Non-Finnish European, 0.00026%; no homozygotes.

Submission:

Labcorp Genetics (formerly Invitae), Labcorp
Classification: Uncertain significance. Last evaluated: 2023-03-26. Review status: criteria provided, single submitter. Criteria: Invitae Variant Classification Sherloc (09022015). Collection method: clinical testing. Allele origin: germline.
Comment: In summary, the available evidence is currently insufficient to determine the role of this variant in disease. Therefore, it has been classified as a Variant of Uncertain Significance. Algorithms developed to predict the effect of sequence changes on RNA splicing suggest that this variant may create or strengthen a splice site. Advanced modeling of protein sequence and biophysical properties (such as structural, functional, and spatial information, amino acid conservation, physicochemical variation, residue mobility, and thermodynamic stability) performed at Invitae indicates that this missense variant is not expected to disrupt PACS2 protein function. This variant has not been reported in the literature in individuals affected with PACS2-related conditions. The frequency data for this variant in the population databases is considered unreliable, as metrics indicate poor data quality at this position in the gnomAD database. This sequence change replaces aspartic acid, which is acidic and polar, with tyrosine, which is neutral and polar, at codon 510 of the PACS2 protein (p.Asp510Tyr).